The following is an entry in ClinVar:

ClinVar aggregate classification (germline): Pathogenic (1 of 4 stars; one submission).

Conditions:
Duchenne muscular dystrophy (DMD). Also called: MUSCULAR DYSTROPHY, PSEUDOHYPERTROPHIC PROGRESSIVE, DUCHENNE TYPE; Duchenne Muscular Dystrophy (DMD). Identifiers: Orphanet 98896, MedGen C0013264, MONDO:0010679, OMIM 310200.

Submission:

Labcorp Genetics (formerly Invitae), Labcorp
Classification: Pathogenic for Duchenne muscular dystrophy. Last evaluated: 2022-08-31. Review status: criteria provided, single submitter. Criteria: Invitae Variant Classification Sherloc (09022015). Collection method: clinical testing. Allele origin: germline.
Comment: This variant results in a copy number gain of the genomic region encompassing exon(s) 3-15 of the DMD gene. While the exact position of this variant cannot be determined from the data, sub-genic copy number gains are generally in tandem (PMID: 25640679). This variant is predicted to be in-frame, and likely preserves the integrity of the reading frame. A similar copy number variant has been observed in individuals with DMD-related conditions (PMID: 17726484, 18663755, 31081998, 32194622). For these reasons, this variant has been classified as Pathogenic.

Literature cited by the submitters: PubMed 25640679; PubMed 17726484; PubMed 18663755; PubMed 31081998; PubMed 32194622.

NC_000023.10:g.(?_32591637)_(32867947_?)dup

Gene: DMD (dystrophin; minus strand). Cytogenetic location: Xp21.1.
Variant type: Duplication.
Identifiers: ClinVar variation 1523647 (VCV001523647.7).